The following is an entry in ClinVar:

NM_002109.6(HARS1):c.437A>G (p.Asn146Ser)

Gene: HARS1 (histidyl-tRNA synthetase 1; minus strand). Cytogenetic location: 5q31.3.
Variant type: single nucleotide variant.
Coding change: c.437A>G on transcript NM_002109.6 (MANE Select); coding-DNA position 437, A replaced by G.
Protein change: p.Asn146Ser; replaces asparagine 146 with serine.
Molecular consequence: missense variant. On other transcripts: intron variant (2).
Genome position (GRCh38, 1-based): chr5:140,679,087, T>C on the plus strand (A>G on the coding strand, the complement: HARS1 is on the minus strand). VCF-style: chr5-140679087-T-C. GRCh37 (hg19) VCF-style: chr5-140058672-T-C.
Other names: c.317A>G, p.Asn106Ser (NM_001258040.3, NM_001258042.3); c.437A>G, p.Asn146Ser (NM_001258041.3); c.350A>G, p.Asn117Ser (NM_001289094.2); c.181-1072A>G (NM_001289093.2); c.301-1072A>G (NM_001289092.2); short protein forms N106S, N117S, N146S.
Identifiers: ClinVar variation 1680346 (VCV001680346.8), dbSNP rs781115846, ClinGen allele CA3444110.

ClinVar aggregate classification (germline): Uncertain significance (1 of 4 stars; one submission).

Conditions:
Usher syndrome type 3B. Also called: USHER SYNDROME, TYPE IIIB. Identifiers: MedGen C3281066, MONDO:0013788, OMIM 614504.

Allele frequency attached by ClinVar (database versions not stated): gnomAD 0.00001; gnomAD exomes 0.00001; TOPMed 0.00001; ExAC 0.00002.
gnomAD v4.1: 4 of 1,613,974 alleles (0.00025%); highest among the groups gnomAD compares: Admixed American, 0.0067%; no homozygotes.

Submission:

Labcorp Genetics (formerly Invitae), Labcorp
Classification: Uncertain significance for Usher syndrome type 3B. Last evaluated: 2024-03-25. Review status: criteria provided, single submitter. Criteria: Invitae Variant Classification Sherloc (09022015). Collection method: clinical testing. Allele origin: germline.
Comment: This sequence change replaces asparagine, which is neutral and polar, with serine, which is neutral and polar, at codon 146 of the HARS protein (p.Asn146Ser). This variant is present in population databases (rs781115846, gnomAD 0.006%). This variant has not been reported in the literature in individuals affected with HARS-related conditions. ClinVar contains an entry for this variant (Variation ID: 1680346). Advanced modeling of protein sequence and biophysical properties (such as structural, functional, and spatial information, amino acid conservation, physicochemical variation, residue mobility, and thermodynamic stability) performed at Invitae indicates that this missense variant is not expected to disrupt HARS protein function with a negative predictive value of 80%. In summary, the available evidence is currently insufficient to determine the role of this variant in disease. Therefore, it has been classified as a Variant of Uncertain Significance.